The following is an entry in ClinVar:

ClinVar aggregate classification (germline): Uncertain significance (1 of 4 stars; one submission).

Conditions:
Idiopathic generalized epilepsy. Also called: Generalised epilepsy; EIG. Identifiers: MedGen C0270850, MONDO:0005579, OMIM 600669.
Hyperaldosteronism, familial, type IV (HALD4). Also called: FH IV; ALDOSTERONISM, PRIMARY, AND HYPERTENSION. Identifiers: Orphanet 642671, MedGen C4310756, MONDO:0014875, OMIM 617027.

Submission:

Labcorp Genetics (formerly Invitae), Labcorp
Classification: Uncertain significance for Idiopathic generalized epilepsy; Hyperaldosteronism, familial, type IV. Last evaluated: 2022-07-05. Review status: criteria provided, single submitter. Criteria: Invitae Variant Classification Sherloc (09022015). Collection method: clinical testing. Allele origin: germline.
Comment: In summary, the available evidence is currently insufficient to determine the role of this variant in disease. Therefore, it has been classified as a Variant of Uncertain Significance. Advanced modeling of protein sequence and biophysical properties (such as structural, functional, and spatial information, amino acid conservation, physicochemical variation, residue mobility, and thermodynamic stability) performed at Invitae indicates that this missense variant is not expected to disrupt CACNA1H protein function. ClinVar contains an entry for this variant (Variation ID: 1004647). This variant has not been reported in the literature in individuals affected with CACNA1H-related conditions. This variant is not present in population databases (gnomAD no frequency). This sequence change replaces glutamic acid, which is acidic and polar, with glycine, which is neutral and non-polar, at codon 2304 of the CACNA1H protein (p.Glu2304Gly).

NM_021098.3(CACNA1H):c.6911A>G (p.Glu2304Gly)

Gene: CACNA1H (calcium voltage-gated channel subunit alpha1 H; plus strand). Cytogenetic location: 16p13.3.
Variant type: single nucleotide variant.
Coding change: c.6911A>G on transcript NM_021098.3 (MANE Select); coding-DNA position 6911, A replaced by G.
Protein change: p.Glu2304Gly; replaces glutamic acid 2304 with glycine.
Molecular consequence: missense variant.
Genome position (GRCh38, 1-based): chr16:1,220,843, A>G. VCF-style: chr16-1220843-A-G. GRCh37 (hg19) VCF-style: chr16-1270843-A-G.
Other names: c.6893A>G, p.Glu2298Gly (NM_001005407.2); short protein forms E2298G, E2304G.
Identifiers: ClinVar variation 1004647 (VCV001004647.10), dbSNP rs1970429885, ClinGen allele CA394151226.